The following is an entry in ClinVar:

NM_004304.5(ALK):c.2644G>A (p.Gly882Ser)

Gene: ALK (ALK receptor tyrosine kinase; minus strand). Cytogenetic location: 2p23.2.
Variant type: single nucleotide variant.
Coding change: c.2644G>A on transcript NM_004304.5 (MANE Select); coding-DNA position 2644, G replaced by A.
Protein change: p.Gly882Ser; replaces glycine 882 with serine.
Molecular consequence: missense variant.
Genome position (GRCh38, 1-based): chr2:29,229,055, C>T on the plus strand (G>A on the coding strand, the complement: ALK is on the minus strand). VCF-style: chr2-29229055-C-T. GRCh37 (hg19) VCF-style: chr2-29451921-C-T.
Other names: c.2644G>A (NM_004304.4); short protein forms G882S.
Identifiers: ClinVar variation 2703079 (VCV002703079.4), dbSNP rs2465978440, ClinGen allele CA346470095.
Genomic context (GRCh38, chr2:29,229,055, plus strand): 5'-CGGTGGCACCCTCCTGCAAAGATTTTCCGGCCCAGAGCAAGGAAGTGTTATCATTCCAGC[C>T]ACCTCCACCACCTGCGGGAAGAGATAGGGAACCTGCGTGAGGATGCTGGCAAGGTTCAAT-3'
Protein context (NP_004295.2, residues 872-892): GNSGAAGGGG[Gly882Ser]WNDNTSLLWA

ClinVar aggregate classification (germline): Uncertain significance. Review status: criteria provided, multiple submitters, no conflicts (2 of 4 stars). 2 submissions from 2 submitters: Uncertain significance (2). Last evaluated 2025-03-24.

Conditions:
Neuroblastoma, susceptibility to, 3. Also called: ALK-Related Neuroblastic Tumor Susceptibility. Identifiers: Orphanet 635, MedGen C2751681, MONDO:0013083, OMIM 613014.
Hereditary cancer-predisposing syndrome. Also called: Hereditary Cancer Syndrome; Hereditary neoplastic syndrome; Neoplastic Syndromes, Hereditary; Tumor predisposition. Identifiers: Orphanet 140162, MedGen C0027672, MeSH D009386, MONDO:0015356.

Submissions (2):

Ambry Genetics
Classification: Uncertain significance for Hereditary cancer-predisposing syndrome. Last evaluated: 2025-03-24. Review status: criteria provided, single submitter. Criteria: Ambry Variant Classification Scheme 2023. Collection method: clinical testing. Allele origin: germline.
Comment: The p.G882S variant (also known as c.2644G>A), located in coding exon 16 of the ALK gene, results from a G to A substitution at nucleotide position 2644. The glycine at codon 882 is replaced by serine, an amino acid with similar properties. This amino acid position is highly conserved in available vertebrate species. In addition, the in silico prediction for this alteration is inconclusive. Based on the available evidence, the clinical significance of this variant remains unclear.

Labcorp Genetics (formerly Invitae), Labcorp
Classification: Uncertain significance for Neuroblastoma, susceptibility to, 3. Last evaluated: 2023-12-14. Review status: criteria provided, single submitter. Criteria: Invitae Variant Classification Sherloc (09022015). Collection method: clinical testing. Allele origin: germline.
Comment: This sequence change replaces glycine, which is neutral and non-polar, with serine, which is neutral and polar, at codon 882 of the ALK protein (p.Gly882Ser). This variant is not present in population databases (gnomAD no frequency). This variant has not been reported in the literature in individuals affected with ALK-related conditions. An algorithm developed to predict the effect of missense changes on protein structure and function (PolyPhen-2) suggests that this variant is likely to be disruptive. In summary, the available evidence is currently insufficient to determine the role of this variant in disease. Therefore, it has been classified as a Variant of Uncertain Significance.